The following is an entry in ClinVar:

NM_153460.4(IL17RC):c.1960A>T (p.Thr654Ser)

Gene: IL17RC (interleukin 17 receptor C; plus strand). Cytogenetic location: 3p25.3.
Variant type: single nucleotide variant.
Coding change: c.1960A>T on transcript NM_153460.4 (MANE Select); coding-DNA position 1960, A replaced by T.
Protein change: p.Thr654Ser; replaces threonine 654 with serine.
Molecular consequence: missense variant. On other transcripts: non-coding transcript variant (1).
Genome position (GRCh38, 1-based): chr3:9,933,390, A>T. VCF-style: chr3-9933390-A-T. GRCh37 (hg19) VCF-style: chr3-9975074-A-T.
Other names: c.1921A>T, p.Thr641Ser (NM_001203263.2); c.1870A>T, p.Thr624Ser (NM_001203264.2); c.1864A>T, p.Thr622Ser (NM_001203265.2); c.1882A>T, p.Thr628Ser (NM_001367278.1); c.1801A>T, p.Thr601Ser (NM_001367279.1); c.1876A>T, p.Thr626Ser (NM_001367280.1); c.1915A>T, p.Thr639Ser (NM_032732.6); c.2173A>T, p.Thr725Ser (NM_153461.4); short protein forms T601S, T626S, T628S, T725S, T622S, T654S, T624S, T641S.
Identifiers: ClinVar variation 835359 (VCV000835359.7), dbSNP rs556262818, ClinGen allele CA2247454.

ClinVar aggregate classification (germline): Uncertain significance (1 of 4 stars; one submission).

Conditions:
Candidiasis, familial, 9 (CANDF9). Identifiers: Orphanet 1334, MedGen C4225324, MONDO:0014642, OMIM 616445.

Allele frequency attached by ClinVar (database versions not stated): gnomAD below 0.00001 and 0.00003; gnomAD exomes 0.00002; ExAC 0.00006; 1000 Genomes Project 30x 0.00031; 1000 Genomes Project 0.00060.
gnomAD v4.1: 21 of 1,613,032 alleles (0.0013%); highest among the groups gnomAD compares: South Asian, 0.022%; no homozygotes.

Submission:

Labcorp Genetics (formerly Invitae), Labcorp
Classification: Uncertain significance for Candidiasis, familial, 9. Last evaluated: 2022-08-31. Review status: criteria provided, single submitter. Criteria: Invitae Variant Classification Sherloc (09022015). Collection method: clinical testing. Allele origin: germline.
Comment: Algorithms developed to predict the effect of missense changes on protein structure and function output the following: SIFT: "Tolerated"; PolyPhen-2: "Benign"; Align-GVGD: "Class C0". The serine amino acid residue is found in multiple mammalian species, which suggests that this missense change does not adversely affect protein function. In summary, the available evidence is currently insufficient to determine the role of this variant in disease. Therefore, it has been classified as a Variant of Uncertain Significance. This sequence change replaces threonine, which is neutral and polar, with serine, which is neutral and polar, at codon 725 of the IL17RC protein (p.Thr725Ser). ClinVar contains an entry for this variant (Variation ID: 835359). This variant has not been reported in the literature in individuals affected with IL17RC-related conditions. This variant is present in population databases (rs556262818, gnomAD 0.02%).